The following is an entry in ClinVar:

ClinVar aggregate classification (germline): Uncertain significance (1 of 4 stars; one submission).

gnomAD v4.1: 1 of 1,614,084 alleles (0.000062%); no homozygotes.

Submission:

Labcorp Genetics (formerly Invitae), Labcorp
Classification: Uncertain significance. Last evaluated: 2022-01-12. Review status: criteria provided, single submitter. Criteria: Invitae Variant Classification Sherloc (09022015). Collection method: clinical testing. Allele origin: germline.
Comment: In summary, the available evidence is currently insufficient to determine the role of this variant in disease. Therefore, it has been classified as a Variant of Uncertain Significance. Algorithms developed to predict the effect of sequence changes on RNA splicing suggest that this variant may create or strengthen a splice site. Algorithms developed to predict the effect of missense changes on protein structure and function are either unavailable or do not agree on the potential impact of this missense change (SIFT: "Deleterious"; PolyPhen-2: "Probably Damaging"; Align-GVGD: "Class C0"). This variant has not been reported in the literature in individuals affected with TTLL5-related conditions. This variant is not present in population databases (gnomAD no frequency). This sequence change replaces glycine, which is neutral and non-polar, with arginine, which is basic and polar, at codon 34 of the TTLL5 protein (p.Gly34Arg).

NM_015072.5(TTLL5):c.100G>A (p.Gly34Arg)

Gene: TTLL5 (tubulin tyrosine ligase like 5; plus strand). Cytogenetic location: 14q24.3.
Variant type: single nucleotide variant.
Coding change: c.100G>A on transcript NM_015072.5 (MANE Select); coding-DNA position 100, G replaced by A.
Protein change: p.Gly34Arg; replaces glycine 34 with arginine.
Molecular consequence: missense variant.
Genome position (GRCh38, 1-based): chr14:75,669,441, G>A. VCF-style: chr14-75669441-G-A. GRCh37 (hg19) VCF-style: chr14-76135784-G-A.
Other names: short protein forms G34R.
Identifiers: ClinVar variation 2081118 (VCV002081118.4), dbSNP rs2504215887, ClinGen allele CA390465548.